The following is an entry in ClinVar:

ClinVar aggregate classification (germline): Uncertain significance (1 of 4 stars; one submission).

Conditions:
Familial episodic pain syndrome with predominantly lower limb involvement. Also called: Episodic pain syndrome, familial, 3. Identifiers: Orphanet 391384, Orphanet 391392, MedGen C3809899, MONDO:0014247, OMIM 615552.
Hereditary sensory and autonomic neuropathy type 7. Also called: Neuropathy, hereditary sensory and autonomic, type VII; HSAN VII. Identifiers: Orphanet 391397, MedGen C3809882, MONDO:0014244, OMIM 615548.

Allele frequency attached by ClinVar (database versions not stated): gnomAD 0.00001; ExAC 0.00002; gnomAD exomes 0.00002; TOPMed 0.00002.
gnomAD v4.1: 24 of 1,613,946 alleles (0.0015%); highest among the groups gnomAD compares: South Asian, 0.0044%; no homozygotes.

Submission:

Labcorp Genetics (formerly Invitae), Labcorp
Classification: Uncertain significance for Familial episodic pain syndrome with predominantly lower limb involvement; Hereditary sensory and autonomic neuropathy type 7. Last evaluated: 2024-02-24. Review status: criteria provided, single submitter. Criteria: Invitae Variant Classification Sherloc (09022015). Collection method: clinical testing. Allele origin: germline.
Comment: This sequence change replaces arginine, which is basic and polar, with histidine, which is basic and polar, at codon 725 of the SCN11A protein (p.Arg725His). This variant is present in population databases (rs752954989, gnomAD 0.003%). This variant has not been reported in the literature in individuals affected with SCN11A-related conditions. ClinVar contains an entry for this variant (Variation ID: 571276). Advanced modeling of protein sequence and biophysical properties (such as structural, functional, and spatial information, amino acid conservation, physicochemical variation, residue mobility, and thermodynamic stability) performed at Invitae indicates that this missense variant is not expected to disrupt SCN11A protein function with a negative predictive value of 80%. In summary, the available evidence is currently insufficient to determine the role of this variant in disease. Therefore, it has been classified as a Variant of Uncertain Significance.

NM_001349253.2(SCN11A):c.2174G>A (p.Arg725His)

Gene: SCN11A (sodium voltage-gated channel alpha subunit 11; minus strand). Cytogenetic location: 3p22.2.
Variant type: single nucleotide variant.
Coding change: c.2174G>A on transcript NM_001349253.2 (MANE Select); coding-DNA position 2174, G replaced by A.
Protein change: p.Arg725His; replaces arginine 725 with histidine.
Molecular consequence: missense variant.
Genome position (GRCh38, 1-based): chr3:38,897,074, C>T on the plus strand (G>A on the coding strand, the complement: SCN11A is on the minus strand). VCF-style: chr3-38897074-C-T. GRCh37 (hg19) VCF-style: chr3-38938565-C-T.
Other names: c.2174G>A, p.Arg725His (NM_014139.3); short protein forms R725H.
Identifiers: ClinVar variation 571276 (VCV000571276.8), dbSNP rs752954989, ClinGen allele CA2322119.